The following is an entry in ClinVar:

NM_016938.5(EFEMP2):c.636A>T (p.Pro212=)

Gene: EFEMP2 (EGF-like fibulin extracellular matrix protein 2; minus strand). Cytogenetic location: 11q13.1.
Variant type: single nucleotide variant.
Coding change: c.636A>T on transcript NM_016938.5 (MANE Select); coding-DNA position 636, A replaced by T.
Protein change: p.Pro212=; no amino-acid change (proline 212 retained).
Molecular consequence: synonymous variant. On other transcripts: non-coding transcript variant (1).
Genome position (GRCh38, 1-based): chr11:65,869,948, T>A on the plus strand (A>T on the coding strand, the complement: EFEMP2 is on the minus strand). VCF-style: chr11-65869948-T-A. GRCh37 (hg19) VCF-style: chr11-65637419-T-A.
Identifiers: ClinVar variation 3025047 (VCV003025047.23), dbSNP rs2495577277, ClinGen allele CA475317106.

ClinVar aggregate classification (germline): Likely benign. Review status: criteria provided, multiple submitters, no conflicts (2 of 4 stars). 2 submissions from 2 submitters: Likely benign (2). Last evaluated 2024-02-01.

Submissions (2):

CeGaT Center for Human Genetics Tuebingen
Classification: Likely benign. Last evaluated: 2024-02-01. Review status: criteria provided, single submitter. Criteria: CeGaT Center For Human Genetics Tuebingen Variant Classification Criteria Version 2. Collection method: clinical testing. Allele origin: germline. Affected: yes. Observed: 1 variant allele.
Comment: EFEMP2: PM2:Supporting, BP4, BP7

Blueprint Genetics
Classification: Likely benign. Last evaluated: 2022-08-05. Review status: criteria provided, single submitter. Criteria: ACMG Guidelines, 2015. Collection method: clinical testing. Allele origin: germline.